The following is an entry in ClinVar:

ClinVar aggregate classification (germline): Uncertain significance. Review status: criteria provided, multiple submitters, no conflicts (2 of 4 stars). 2 submissions from 2 submitters: Uncertain significance (2). Last evaluated 2025-10-03.

Conditions:
Arrhythmogenic right ventricular dysplasia 13. Also called: ARRHYTHMOGENIC RIGHT VENTRICULAR CARDIOMYOPATHY 13; Arrhythmogenic right ventricular dysplasia, familial, 13. Identifiers: MedGen C3810138, MONDO:0000908, OMIM 615616.

Allele frequency attached by ClinVar (database versions not stated): ExAC 0.00002; gnomAD exomes 0.00002; ESP Exome Variant Server 0.00008; gnomAD 0.00011; TOPMed 0.00011.
gnomAD v4.1: 40 of 1,613,038 alleles (0.0025%); highest among the groups gnomAD compares: African/African-American, 0.048%; no homozygotes.

Submissions (2):

Labcorp Genetics (formerly Invitae), Labcorp
Classification: Uncertain significance for Arrhythmogenic right ventricular dysplasia 13. Last evaluated: 2025-10-03. Review status: criteria provided, single submitter. Criteria: Invitae Variant Classification Sherloc (09022015). Collection method: clinical testing. Allele origin: germline.
Comment: This sequence change replaces glutamic acid, which is acidic and polar, with valine, which is neutral and non-polar, at codon 669 of the CTNNA3 protein (p.Glu669Val). This variant is present in population databases (rs377166040, gnomAD 0.04%), and has an allele count higher than expected for a pathogenic variant. This variant has not been reported in the literature in individuals affected with CTNNA3-related conditions. ClinVar contains an entry for this variant (Variation ID: 1036037). Invitae Evidence Modeling of protein sequence and biophysical properties (such as structural, functional, and spatial information, amino acid conservation, physicochemical variation, residue mobility, and thermodynamic stability) indicates that this missense variant is expected to disrupt CTNNA3 protein function with a positive predictive value of 80%. In summary, the available evidence is currently insufficient to determine the role of this variant in disease. Therefore, it has been classified as a Variant of Uncertain Significance.

Ambry Genetics
Classification: Uncertain significance. Last evaluated: 2021-06-11. Review status: criteria provided, single submitter. Criteria: Ambry Variant Classification Scheme 2023. Collection method: clinical testing. Allele origin: germline.

NM_013266.4(CTNNA3):c.2006A>T (p.Glu669Val)

Gene: CTNNA3 (catenin alpha 3; minus strand). Cytogenetic location: 10q21.3.
Variant type: single nucleotide variant.
Coding change: c.2006A>T on transcript NM_013266.4 (MANE Select); coding-DNA position 2006, A replaced by T.
Protein change: p.Glu669Val; replaces glutamic acid 669 with valine.
Molecular consequence: missense variant.
Genome position (GRCh38, 1-based): chr10:66,069,461, T>A on the plus strand (A>T on the coding strand, the complement: CTNNA3 is on the minus strand). VCF-style: chr10-66069461-T-A. GRCh37 (hg19) VCF-style: chr10-67829219-T-A.
Other names: c.2006A>T (NM_013266.2); c.2006A>T, p.Glu669Val (NM_001127384.3); short protein forms E669V.
Identifiers: ClinVar variation 1036037 (VCV001036037.7), dbSNP rs377166040, ClinGen allele CA5519721.